The following is an entry in ClinVar:

ClinVar aggregate classification (germline): Likely benign. Review status: criteria provided, single submitter (1 of 4 stars). 2 submissions from 2 submitters: Likely benign (1). 1 of the submissions does not count toward it. Last evaluated 2024-02-26.

Conditions:
MYH7B-related disorder. Also called: MYH7B-related condition.

Allele frequency attached by ClinVar (database versions not stated): gnomAD 0.00001; TOPMed 0.00003; ExAC 0.00004.
gnomAD v4.1: 41 of 1,600,650 alleles (0.0026%); highest among the groups gnomAD compares: East Asian, 0.011%; no homozygotes.

Submissions (2):

Labcorp Genetics (formerly Invitae), Labcorp
Classification: Likely benign. Last evaluated: 2024-02-26. Review status: criteria provided, single submitter. Criteria: Invitae Variant Classification Sherloc (09022015). Collection method: clinical testing. Allele origin: germline.

PreventionGenetics, part of Exact Sciences
Classification: Likely benign for MYH7B-related condition. Last evaluated: 2019-03-18. Review status: no assertion criteria provided. Collection method: clinical testing. Allele origin: germline. Not counted in ClinVar's aggregate classification.
Comment: This variant is classified as likely benign based on ACMG/AMP sequence variant interpretation guidelines (Richards et al. 2015 PMID: 25741868, with internal and published modifications).

NM_020884.7(MYH7B):c.3624G>A (p.Ala1208=)

Gene: MYH7B (myosin heavy chain 7B; plus strand). Cytogenetic location: 20q11.22.
Variant type: single nucleotide variant.
Coding change: c.3624G>A on transcript NM_020884.7 (MANE Select); coding-DNA position 3624, G replaced by A.
Protein change: p.Ala1208=; no amino-acid change (alanine 1208 retained).
Molecular consequence: synonymous variant.
Genome position (GRCh38, 1-based): chr20:34,997,517, G>A. VCF-style: chr20-34997517-G-A. GRCh37 (hg19) VCF-style: chr20-33585320-G-A.
Other names: c.3750G>A (NM_020884.4).
Identifiers: ClinVar variation 2914263 (VCV002914263.5), dbSNP rs367623754, ClinGen allele CA9827794.